The following is an entry in ClinVar:

ClinVar aggregate classification (germline): Uncertain significance (1 of 4 stars; one submission).

Conditions:
Autosomal recessive limb-girdle muscular dystrophy type 2J (LGMDR10). Also called: Limb-girdle muscular dystrophy, type 2J; MUSCULAR DYSTROPHY, LIMB-GIRDLE, AUTOSOMAL RECESSIVE 10. Identifiers: Orphanet 140922, MedGen C1837342, MONDO:0012127, OMIM 608807.
Dilated cardiomyopathy 1G (CMD1G). Identifiers: Orphanet 154, MedGen C1858763, MONDO:0011400, OMIM 604145.

Submission:

Labcorp Genetics (formerly Invitae), Labcorp
Classification: Uncertain significance for Dilated cardiomyopathy 1G; Autosomal recessive limb-girdle muscular dystrophy type 2J. Last evaluated: 2022-02-01. Review status: criteria provided, single submitter. Criteria: Invitae Variant Classification Sherloc (09022015). Collection method: clinical testing. Allele origin: germline.
Comment: This sequence change replaces valine, which is neutral and non-polar, with leucine, which is neutral and non-polar, at codon 34498 of the TTN protein (p.Val34498Leu). This variant is not present in population databases (gnomAD no frequency). This variant has not been reported in the literature in individuals affected with TTN-related conditions. Experimental studies and prediction algorithms are not available or were not evaluated, and the functional significance of this variant is currently unknown. This variant is located in the M band of TTN (PMID: 25589632). Variants in this region may be relevant for neuromuscular disorders, but have not been definitively shown to cause cardiomyopathy (PMID: 23975875). In summary, the available evidence is currently insufficient to determine the role of this variant in disease. Therefore, it has been classified as a Variant of Uncertain Significance.

Literature cited by the submitters: PubMed 25589632; PubMed 23975875.

NM_001267550.2(TTN):c.103492G>T (p.Val34498Leu)

Genes: TTN-AS1 (TTN antisense RNA 1; plus strand), TTN (titin; minus strand). Cytogenetic location: 2q31.2.
Variant type: single nucleotide variant.
Coding change: c.103492G>T on transcript NM_001267550.2 (MANE Select); coding-DNA position 103492, G replaced by T.
Protein change: p.Val34498Leu; replaces valine 34498 with leucine.
Molecular consequence: missense variant.
Genome position (GRCh38, 1-based): chr2:178,533,123, C>A on the plus strand (G>T on the coding strand, the complement: TTN is on the minus strand). VCF-style: chr2-178533123-C-A. GRCh37 (hg19) VCF-style: chr2-179397850-C-A.
Other names: c.98569G>T, p.Val32857Leu (NM_001256850.1); c.76297G>T, p.Val25433Leu (NM_003319.4); c.95788G>T, p.Val31930Leu (NM_133378.4); c.76672G>T, p.Val25558Leu (NM_133432.3); c.76873G>T, p.Val25625Leu (NM_133437.4); short protein forms V25558L, V31930L, V34498L, V25433L, V25625L, V32857L.
Identifiers: ClinVar variation 2091616 (VCV002091616.1), dbSNP rs1689922157, ClinGen allele CA349414160.